The following is an entry in ClinVar:

ClinVar aggregate classification (germline): Likely pathogenic (1 of 4 stars; one submission).

Conditions:
Developmental and epileptic encephalopathy, 7 (DEE7). Also called: KCNQ2-Related Neonatal Epileptic Encephalopathy; KCNQ2-Related Neonatal-Onset Developmental and Epileptic Encephalopathy (NEO-DEE); Early infantile epileptic encephalopathy 7. Identifiers: Orphanet 439218, MedGen C3150986, MONDO:0013387, OMIM 613720.

Submission:

3billion
Classification: Likely pathogenic for Developmental and epileptic encephalopathy, 7. Last evaluated: 2021-10-02. Review status: criteria provided, single submitter. Criteria: ACMG Guidelines, 2015. Collection method: clinical testing. Allele origin: germline. Affected: yes. Observed: 1 heterozygote.
Comment: The missense variant is located in a mutational hot spot and/or well-established functional domain in which established pathogenic variants have been reported (PM1). The variant was observed as assumed (i.e. paternity and maternity not confirmed) de novoo (3billion dataset, PM6). It is not observed in the gnomAD v2.1.1 dataset (PM2). In silico tool predictions suggest damaging effect of the variant on gene or gene product (REVEL: 0.912, 3Cnet: 0.998, PP3). Therefore, this variant is classified as likely pathogenic according to the recommendation of ACMG/AMP guideline.

NM_172107.4(KCNQ2):c.706T>C (p.Trp236Arg)

Gene: KCNQ2 (potassium voltage-gated channel subfamily Q member 2; minus strand). Cytogenetic location: 20q13.33.
Variant type: single nucleotide variant.
Coding change: c.706T>C on transcript NM_172107.4 (MANE Select); coding-DNA position 706, T replaced by C.
Protein change: p.Trp236Arg; replaces tryptophan 236 with arginine.
Molecular consequence: missense variant.
Genome position (GRCh38, 1-based): chr20:63,442,516, A>G on the plus strand (T>C on the coding strand, the complement: KCNQ2 is on the minus strand). VCF-style: chr20-63442516-A-G. GRCh37 (hg19) VCF-style: chr20-62073869-A-G.
Other names: c.706T>C, p.Trp236Arg (NM_001382235.1, NM_004518.6, NM_172106.3 and 2 more transcripts); short protein forms W236R.
Identifiers: ClinVar variation 1320124 (VCV001320124.1), dbSNP rs942541730, ClinGen allele CA317459238.
Genomic context (GRCh38, chr20:63,442,516, plus strand): 5'-CCTTCTCTGCCAAGTACACCAGGAACGAGGCCAGGATGAGACAAAGGAAGCCGATGTACC[A>G]GGCAGTGACCAGCTCCTGAGAGGCAGACGGCACCACCATCATGACCACCATCACCAGAAG-3'
Protein context (NP_742105.1, residues 226-246): YAHSKELVTA[Trp236Arg]YIGFLCLILA